The following is an entry in ClinVar:

ClinVar aggregate classification (germline): Likely pathogenic (1 of 4 stars; one submission).

Submission:

ARUP Laboratories, Molecular Genetics and Genomics, ARUP Laboratories
Classification: Likely pathogenic. Last evaluated: 2017-07-12. Review status: criteria provided, single submitter. Criteria: ARUP Molecular Germline Variant Investigation Process. Collection method: clinical testing. Allele origin: germline.
Comment: The FBN1 c.387C>G;p.Cys129Trp variant has not been described in the medical literature or in gene-specific databases. The variant is not listed in the ClinVar database, the dbSNP variant database, or in the general population-based databases (Exome Variant Server, Genome Aggregation Database). This variant occurs in a cysteine residue in one of the EGF-like domains of fibrillin-1. Each EGF-like domain contains six highly-conserved cysteines and the disulfide bridges formed between these residues are essential for protein folding; loss of one of these cysteines may interfere with proper disulfide bridge formation, disrupting protein structure. Accordingly, the revised Ghent nosology for Marfan syndrome lists missense variants of cysteine residues as one of the criteria for classification of a variant as pathogenic (Loeys 2010). Therefore, this variant is considered likely pathogenic. References: Loeys et al. The revised Ghent nosology for the Marfan syndrome. J. Med. Genet. 2010 47(7): 476-85.

NM_000138.5(FBN1):c.387C>G (p.Cys129Trp)

Gene: FBN1 (fibrillin 1; minus strand). Cytogenetic location: 15q21.1.
Variant type: single nucleotide variant.
Coding change: c.387C>G on transcript NM_000138.5 (MANE Select); coding-DNA position 387, C replaced by G.
Protein change: p.Cys129Trp; replaces cysteine 129 with tryptophan.
Molecular consequence: missense variant.
Genome position (GRCh38, 1-based): chr15:48,600,194, G>C on the plus strand (C>G on the coding strand, the complement: FBN1 is on the minus strand). VCF-style: chr15-48600194-G-C. GRCh37 (hg19) VCF-style: chr15-48892391-G-C.
Other names: short protein forms C129W.
Identifiers: ClinVar variation 618647 (VCV000618647.8), dbSNP rs1566935514, ClinGen allele CA392446554.